The following is an entry in ClinVar:

ClinVar aggregate classification (germline): Pathogenic (1 of 4 stars; one submission).

Submission:

Labcorp Genetics (formerly Invitae), Labcorp
Classification: Pathogenic. Last evaluated: 2022-05-20. Review status: criteria provided, single submitter. Criteria: Invitae Variant Classification Sherloc (09022015). Collection method: clinical testing. Allele origin: germline.
Comment: For these reasons, this variant has been classified as Pathogenic. This variant has not been reported in the literature in individuals affected with EYS-related conditions. This variant is not present in population databases (gnomAD no frequency). This sequence change creates a premature translational stop signal (p.Trp1837*) in the EYS gene. It is expected to result in an absent or disrupted protein product. Loss-of-function variants in EYS are known to be pathogenic (PMID: 18836446, 20333770).

Literature cited by the submitters: PubMed 18836446; PubMed 20333770.

NM_001142800.2(EYS):c.5510G>A (p.Trp1837Ter)

Gene: EYS (EGF-like photoreceptor maintenance factor; minus strand). Cytogenetic location: 6q12.
Variant type: single nucleotide variant.
Coding change: c.5510G>A on transcript NM_001142800.2 (MANE Select); coding-DNA position 5510, G replaced by A.
Protein change: p.Trp1837Ter; replaces tryptophan 1837 with a stop codon.
Molecular consequence: nonsense.
Genome position (GRCh38, 1-based): chr6:64,590,357, C>T on the plus strand (G>A on the coding strand, the complement: EYS is on the minus strand). VCF-style: chr6-64590357-C-T. GRCh37 (hg19) VCF-style: chr6-65300250-C-T.
Other names: c.5510G>A, p.Trp1837Ter (NM_001292009.2); short protein forms W1837*.
Identifiers: ClinVar variation 2039050 (VCV002039050.4), dbSNP rs199689193, ClinGen allele CA364780953.